The following is an entry in ClinVar:

NM_001163435.3(TBCK):c.1250A>G (p.Asn417Ser)

Gene: TBCK (TBC1 domain containing kinase; minus strand). Cytogenetic location: 4q24.
Variant type: single nucleotide variant.
Coding change: c.1250A>G on transcript NM_001163435.3 (MANE Select); coding-DNA position 1250, A replaced by G.
Protein change: p.Asn417Ser; replaces asparagine 417 with serine.
Molecular consequence: missense variant.
Genome position (GRCh38, 1-based): chr4:106,236,490, T>C on the plus strand (A>G on the coding strand, the complement: TBCK is on the minus strand). VCF-style: chr4-106236490-T-C. GRCh37 (hg19) VCF-style: chr4-107157647-T-C.
Other names: c.1250A>G, p.Asn417Ser (NM_001163436.4); c.1133A>G, p.Asn378Ser (NM_001163437.3); c.734A>G, p.Asn245Ser (NM_001290768.2); c.1061A>G, p.Asn354Ser (NM_033115.5); c.1250A>G (NM_001163435.1); short protein forms N245S, N354S, N378S, N417S.
Identifiers: ClinVar variation 1442463 (VCV001442463.4), dbSNP rs572150850, ClinGen allele CA3035123.

ClinVar aggregate classification (germline): Uncertain significance. Review status: criteria provided, multiple submitters, no conflicts (2 of 4 stars). 2 submissions from 2 submitters: Uncertain significance (2). Last evaluated 2023-03-07.

Conditions:
Inborn genetic diseases. Identifiers: MedGen C0950123, MeSH D030342.

Allele frequency attached by ClinVar (database versions not stated): gnomAD exomes 0.00004 and 0.00009; gnomAD 0.00005; ExAC 0.00011; 1000 Genomes Project 0.00040; 1000 Genomes Project 30x 0.00047.
gnomAD v4.1: 64 of 1,573,726 alleles (0.0041%); highest among the groups gnomAD compares: South Asian, 0.074%; no homozygotes.

Submissions (2):

Ambry Genetics
Classification: Uncertain significance for Inborn genetic diseases. Last evaluated: 2023-03-07. Review status: criteria provided, single submitter. Criteria: Ambry Variant Classification Scheme 2023. Collection method: clinical testing. Allele origin: germline.

Labcorp Genetics (formerly Invitae), Labcorp
Classification: Uncertain significance. Last evaluated: 2022-08-23. Review status: criteria provided, single submitter. Criteria: Invitae Variant Classification Sherloc (09022015). Collection method: clinical testing. Allele origin: germline.
Comment: This sequence change replaces asparagine, which is neutral and polar, with serine, which is neutral and polar, at codon 417 of the TBCK protein (p.Asn417Ser). This variant is present in population databases (rs572150850, gnomAD 0.07%). This variant has not been reported in the literature in individuals affected with TBCK-related conditions. ClinVar contains an entry for this variant (Variation ID: 1442463). Algorithms developed to predict the effect of missense changes on protein structure and function output the following: SIFT: "Tolerated"; PolyPhen-2: "Benign"; Align-GVGD: "Class C0". The serine amino acid residue is found in multiple mammalian species, which suggests that this missense change does not adversely affect protein function. Algorithms developed to predict the effect of sequence changes on RNA splicing suggest that this variant may create or strengthen a splice site. In summary, the available evidence is currently insufficient to determine the role of this variant in disease. Therefore, it has been classified as a Variant of Uncertain Significance.